The following is an entry in ClinVar:

NM_030787.4(CFHR5):c.136C>T (p.Pro46Ser)

Gene: CFHR5 (complement factor H related 5; plus strand). Cytogenetic location: 1q31.3.
Variant type: single nucleotide variant.
Coding change: c.136C>T on transcript NM_030787.4 (MANE Select); coding-DNA position 136, C replaced by T.
Protein change: p.Pro46Ser; replaces proline 46 with serine.
Molecular consequence: missense variant.
Genome position (GRCh38, 1-based): chr1:196,982,962, C>T. VCF-style: chr1-196982962-C-T. GRCh37 (hg19) VCF-style: chr1-196952092-C-T.
Other names: p.Pro46Ser; short protein forms P46S.
Identifiers: ClinVar variation 775635 (VCV000775635.21), dbSNP rs12097550, ClinGen allele CA1307636.
Genomic context (GRCh38, chr1:196,982,962, plus strand): 5'-CCAAAAATACACCATGGATTTCTGTATGATGAAGAAGATTATAACCCTTTTTCCCAAGTT[C>T]CTACAGGGGAAGTTTTCTATTACTCCTGTGAATATAATTTTGTGTCTCCTTCAAAATCCT-3'
Protein context (NP_110414.1, residues 36-56): EEDYNPFSQV[Pro46Ser]TGEVFYYSCE

ClinVar aggregate classification (germline): Benign/Likely benign. Review status: criteria provided, multiple submitters, no conflicts (2 of 4 stars). 9 submissions from 9 submitters: Benign (1); Likely benign (8). Last evaluated 2026-02-01.

Conditions:
CFH-Related Dense Deposit Disease / Membranoproliferative Glomerulonephritis Type II. Identifiers: MedGen CN071292.
CFHR5 deficiency. Identifiers: MedGen C3553720.
Atypical hemolytic-uremic syndrome. Identifiers: Orphanet 2134, MedGen C2931788, MONDO:0016244.

Allele frequency attached by ClinVar (database versions not stated): gnomAD exomes 0.00572 and 0.00634; gnomAD 0.01022 and 0.01068; ESP Exome Variant Server 0.01130; ExAC 0.00704; 1000 Genomes Project 0.00899; 1000 Genomes Project 30x 0.00906; TOPMed 0.01198.
gnomAD v4.1: 10,038 of 1,613,936 alleles (0.62%); highest among the groups gnomAD compares: Middle Eastern, 2.9%; 68 homozygotes.

Submissions (9):

Labcorp Genetics (formerly Invitae), Labcorp
Classification: Benign. Last evaluated: 2026-02-01. Review status: criteria provided, single submitter. Criteria: Invitae Variant Classification Sherloc (09022015). Collection method: clinical testing. Allele origin: germline.

Women's Health and Genetics/Laboratory Corporation of America, LabCorp
Classification: Likely benign. Last evaluated: 2026-01-21. Review status: criteria provided, single submitter. Criteria: LabCorp Variant Classification Summary - May 2015. Collection method: clinical testing. Allele origin: germline.

Mayo Clinic Laboratories, Mayo Clinic
Classification: Likely benign. Last evaluated: 2024-12-23. Review status: criteria provided, single submitter. Criteria: ACMG Guidelines, 2015. Collection method: clinical testing. Allele origin: germline. Observed: 68 variant alleles.
Comment: BS1, BP4_moderate

Blueprint Genetics
Classification: Likely benign. Last evaluated: 2024-11-25. Review status: criteria provided, single submitter. Criteria: ACMG Guidelines, 2015. Collection method: clinical testing. Allele origin: germline.

Genome-Nilou Lab
Classification: Likely benign for C3 glomerulonephritis. Last evaluated: 2023-04-11. Review status: criteria provided, single submitter. Criteria: ACMG Guidelines, 2015. Collection method: clinical testing. Allele origin: germline. Affected: no.

Fulgent Genetics
Classification: Likely benign for C3 glomerulonephritis. Last evaluated: 2021-09-16. Review status: criteria provided, single submitter. Criteria: ACMG Guidelines, 2015. Collection method: clinical testing. Allele origin: unknown.

Genome Diagnostics Laboratory, The Hospital for Sick Children
Classification: Likely benign for Atypical hemolytic-uremic syndrome. Last evaluated: 2020-10-09. Review status: criteria provided, single submitter. Criteria: ACMG Guidelines, 2015. Collection method: clinical testing. Allele origin: germline.

Illumina Laboratory Services, Illumina
Classification: Likely benign for Membranoproliferative glomerulonephritis with complement factor h deficiency. Last evaluated: 2017-04-27. Review status: criteria provided, single submitter. Criteria: ICSL Variant Classification Criteria 13 December 2019. Collection method: clinical testing. Allele origin: germline.
Comment: This variant was observed as part of a predisposition screen in an ostensibly healthy population. A literature search was performed for the gene, cDNA change, and amino acid change (where applicable). Publications were found based on this search. The evidence from the literature, in combination with allele frequency data from public databases where available, was sufficient to determine this variant is unlikely to cause disease. Therefore, this variant is classified as likely benign.

Breakthrough Genomics
Classification: Likely benign. Review status: criteria provided, single submitter. Criteria: ACMG Guidelines, 2015. Collection method: not provided. Allele origin: germline. Inheritance: Autosomal dominant inheritance. Affected: yes.

Literature cited by the submitters: PubMed 19365580 (cited by Illumina Laboratory Services, Illumina); PubMed 16299065 (cited by Illumina Laboratory Services, Illumina).